The following is an entry in ClinVar:

ClinVar aggregate classification (germline): Uncertain significance (1 of 4 stars; one submission).

Conditions:
Chédiak-Higashi syndrome (CHS). Also called: Chediak-Higashi Syndrome. Identifiers: Orphanet 167, MedGen C0007965, MONDO:0008963, OMIM 214500.

Submission:

Labcorp Genetics (formerly Invitae), Labcorp
Classification: Uncertain significance for Chédiak-Higashi syndrome. Last evaluated: 2022-07-15. Review status: criteria provided, single submitter. Criteria: Invitae Variant Classification Sherloc (09022015). Collection method: clinical testing. Allele origin: germline.
Comment: Information on the frequency of this variant in the gnomAD database is not available, as this variant may be reported differently in the database. This sequence change replaces glycine, which is neutral and non-polar, with isoleucine, which is neutral and non-polar, at codon 799 of the LYST protein (p.Gly799Ile). This variant has not been reported in the literature in individuals affected with LYST-related conditions. Algorithms developed to predict the effect of missense changes on protein structure and function are either unavailable or do not agree on the potential impact of this missense change (SIFT: "Not Available"; PolyPhen-2: "Possibly Damaging"; Align-GVGD: "Not Available"). In summary, the available evidence is currently insufficient to determine the role of this variant in disease. Therefore, it has been classified as a Variant of Uncertain Significance.

NM_000081.4(LYST):c.2395_2396delinsAT (p.Gly799Ile)

Gene: LYST (lysosomal trafficking regulator; minus strand). Cytogenetic location: 1q42.3.
Variant type: Indel.
Coding change: c.2395_2396delinsAT on transcript NM_000081.4 (MANE Select); coding-DNA positions 2395 to 2396, GG replaced by AT.
Protein change: p.Gly799Ile; replaces glycine 799 with isoleucine.
Molecular consequence: missense variant.
Genome position (GRCh38, 1-based): chr1:235,806,740-235,806,741, CC replaced by AT on the plus strand (GG replaced by AT on the coding strand, the reverse complement: LYST is on the minus strand). VCF-style: chr1-235806740-CC-AT. GRCh37 (hg19) VCF-style: chr1-235970040-CC-AT.
Other names: c.2395_2396delinsAT, p.Gly799Ile (NM_001301365.1); short protein forms G799I.
Identifiers: ClinVar variation 1714160 (VCV001714160.5), dbSNP rs2527086823, ClinGen allele CA2580062478.